The following is an entry in ClinVar:

ClinVar aggregate classification (germline): Pathogenic. Review status: criteria provided, multiple submitters, no conflicts (2 of 4 stars). 4 submissions from 4 submitters: Pathogenic (2). 2 of the submissions do not count toward it. Last evaluated 2025-06-18.

Conditions:
Amyotrophic lateral sclerosis type 2, juvenile. Also called: ALS, JUVENILE; Amyotrophic lateral sclerosis type 2. Identifiers: Orphanet 300605, MedGen C1859807, MONDO:0008780, OMIM 205100.
Juvenile primary lateral sclerosis (PLSJ). Also called: Juvenile Primary Lateral Sclerosis (JPLS). Identifiers: Orphanet 247604, MedGen C1853396, MONDO:0011663, OMIM 606353.
Infantile-onset ascending hereditary spastic paralysis (IAHSP). Also called: Autosomal Recessive Juvenile Amyotrophic Lateral Sclerosis; Infantile-Onset Ascending Hereditary Spastic Paralysis (IAHSP). Identifiers: Orphanet 293168, MedGen C2931441, MONDO:0011797, OMIM 607225. Disease mechanism: loss of function.

Allele frequency attached by ClinVar (database versions not stated): gnomAD 0.00001; gnomAD exomes below 0.00001; TOPMed 0.00002.

Submissions (4):

3billion
Classification: Pathogenic for Amyotrophic lateral sclerosis type 2, juvenile. Last evaluated: 2025-06-18. Review status: criteria provided, single submitter. Criteria: ACMG Guidelines, 2015. Collection method: clinical testing. Allele origin: germline. Affected: yes.
Comment: The variant is observed at an extremely low frequency in the gnomAD v4.1.0 dataset (total allele frequency: <0.001%). Predicted Consequence/Location: Frameshift: predicted to result in a loss or disruption of normal protein function through nonsense-mediated decay (NMD) or protein truncation. Multiple pathogenic variants are reported downstream of the variant. The variant has been reported at least twice as pathogenic without evidence for the classification (ClinVar ID: VCV000004406 /PMID: 11586297). Therefore, this variant is classified as Pathogenic according to the recommendation of ACMG/AMP guideline.

Institute of Human Genetics Munich, TUM University Hospital
Classification: Pathogenic for Infantile-onset ascending hereditary spastic paralysis. Last evaluated: 2018-11-12. Review status: criteria provided, single submitter. Criteria: Classification criteria August 2017. Collection method: clinical testing. Allele origin: maternal. Inheritance: Autosomal recessive inheritance. Affected: yes. Observed: 1 compound heterozygote.

GeneReviews
Classification: Pathogenic for ALS2-Related Disorders. Last evaluated: 2011-02-10. Review status: no assertion criteria provided. Collection method: curation. Allele origin: unknown. Not counted in ClinVar's aggregate classification.
ClinVar note: Converted during submission from pathologic to Pathogenic.

OMIM
Classification: Pathogenic for PRIMARY LATERAL SCLEROSIS, JUVENILE. Last evaluated: 2001-10-01. Review status: no assertion criteria provided. Collection method: literature only. Allele origin: germline. Not counted in ClinVar's aggregate classification.

Literature cited by the submitters: PubMed 11586297 (cited by 3billion and OMIM).

NM_020919.4(ALS2):c.1867_1868del (p.Leu623fs)

Gene: ALS2 (alsin Rho guanine nucleotide exchange factor ALS2; minus strand). Cytogenetic location: 2q33.1.
Variant type: Deletion.
Coding change: c.1867_1868del on transcript NM_020919.4 (MANE Select); coding-DNA positions 1867 to 1868, 2 bases deleted (CT; older notation c.1867_1868delCT).
Protein change: p.Leu623fs; shifts the reading frame from leucine 623.
Molecular consequence: frameshift variant.
Genome position (GRCh38, 1-based): chr2:201,746,696-201,746,697, AG deleted on the plus strand (CT on the coding strand, the reverse complement: ALS2 is on the minus strand). VCF-style (leftmost placement, unchanged base first): chr2-201746695-CAG-C. GRCh37 (hg19) VCF-style: chr2-202611418-CAG-C.
Other names: c.1867_1868delCT; short protein forms L623fs.
Identifiers: ClinVar variation 4406 (VCV000004406.8), dbSNP rs386134181, ClinGen allele CA340239.